The following is an entry in ClinVar:

ClinVar aggregate classification (germline): Uncertain significance (1 of 4 stars; one submission).

Conditions:
Familial cancer of breast. Also called: hereditary breast carcinoma; BREAST CANCER, FAMILIAL; Hereditary breast cancer. Identifiers: Orphanet 227535, MedGen C0346153, MONDO:0016419, OMIM 114480. Disease mechanism: loss of function.

Submission:

Labcorp Genetics (formerly Invitae), Labcorp
Classification: Uncertain significance for Familial cancer of breast. Last evaluated: 2022-04-18. Review status: criteria provided, single submitter. Criteria: Invitae Variant Classification Sherloc (09022015). Collection method: clinical testing. Allele origin: germline.
Comment: This sequence change falls in intron 10 of the PALB2 gene. It does not directly change the encoded amino acid sequence of the PALB2 protein. It affects a nucleotide within the consensus splice site. This variant is not present in population databases (gnomAD no frequency). This variant has not been reported in the literature in individuals affected with PALB2-related conditions. Variants that disrupt the consensus splice site are a relatively common cause of aberrant splicing (PMID: 17576681, 9536098). Algorithms developed to predict the effect of sequence changes on RNA splicing suggest that this variant is not likely to affect RNA splicing. In summary, the available evidence is currently insufficient to determine the role of this variant in disease. Therefore, it has been classified as a Variant of Uncertain Significance.

Literature cited by the submitters: PubMed 17576681; PubMed 9536098.

NM_024675.4(PALB2):c.3113+6C>A

Gene: PALB2 (partner and localizer of BRCA2; minus strand). Cytogenetic location: 16p12.2.
Variant type: single nucleotide variant.
Coding change: c.3113+6C>A on transcript NM_024675.4 (MANE Select); 6 bases into the intron after coding-DNA position 3113, C replaced by A.
Molecular consequence: intron variant.
Genome position (GRCh38, 1-based): chr16:23,621,356, G>T on the plus strand (C>A on the coding strand, the complement: PALB2 is on the minus strand). VCF-style: chr16-23621356-G-T. GRCh37 (hg19) VCF-style: chr16-23632677-G-T.
Identifiers: ClinVar variation 2127738 (VCV002127738.4), dbSNP rs764320763, ClinGen allele CA2575946235.